The following is an entry in ClinVar:

NM_003738.5(PTCH2):c.2900_2917dup (p.Leu972_Val973insAlaValCysIleLeuLeu)

Gene: PTCH2 (patched 2; minus strand). Cytogenetic location: 1p34.1.
Variant type: Duplication.
Coding change: c.2900_2917dup on transcript NM_003738.5 (MANE Select); coding-DNA positions 2900 to 2917, 18 bases duplicated (CCGTCTGCATCCTGCTGG).
Protein change: p.Leu972_Val973insAlaValCysIleLeuLeu.
Molecular consequence: inframe insertion.
Genome position (GRCh38, 1-based): chr1:44,826,547-44,826,564, CCAGCAGGATGCAGACGG duplicated on the plus strand (CCGTCTGCATCCTGCTGG on the coding strand, the reverse complement: PTCH2 is on the minus strand); duplicating any 18 consecutive bases within chr1:44,826,547-44,826,573 gives the same sequence; the c. name uses the placement nearest the transcript's 3' end. VCF-style (leftmost placement, unchanged base first): chr1-44826546-A-ACCAGCAGGATGCAGACGG. GRCh37 (hg19) VCF-style: chr1-45292218-A-ACCAGCAGGATGCAGACGG.
Other names: c.2900_2917dup, p.Leu972_Val973insAlaValCysIleLeuLeu (NM_001166292.2); c.2900_2917dup18 (NM_003738.5).
Identifiers: ClinVar variation 2691545 (VCV002691545.1), dbSNP rs780267034, ClinGen allele CA822858.

ClinVar aggregate classification (germline): Uncertain significance (1 of 4 stars; one submission).

Submission:

Women's Health and Genetics/Laboratory Corporation of America, LabCorp
Classification: Uncertain significance. Last evaluated: 2023-12-08. Review status: criteria provided, single submitter. Criteria: LabCorp Variant Classification Summary - May 2015. Collection method: clinical testing. Allele origin: germline.
Comment: Variant summary: PTCH2 c.2900_2917dup18 (p.Ala967_Leu972dup) results in an in-frame duplication that is predicted to duplicate 6 amino acids into the encoded protein. The variant allele was found at a frequency of 8e-06 in 250020 control chromosomes (i.e., 2 heterozygotes; gnomAD v2.1.1 Exomes dataset). The available data on variant occurrences in the general population are insufficient to allow any conclusion about variant significance. To our knowledge, no occurrence of c.2900_2917dup18 in individuals affected with Basal Cell Carcinoma, Susceptibility To, 1 and no experimental evidence demonstrating its impact on protein function have been reported. No submitters have reported clinical-significance assessments for this variant to ClinVar after 2014. Based on the evidence outlined above, the variant was classified as uncertain significance.